The following is an entry in ClinVar:

ClinVar aggregate classification (germline): Conflicting classifications of pathogenicity. Review status: criteria provided, conflicting classifications (1 of 4 stars). 6 submissions from 6 submitters: Uncertain significance (2); Benign (1); Likely benign (3). Last evaluated 2025-09-09.

Conditions:
Hereditary cancer-predisposing syndrome. Also called: Hereditary Cancer Syndrome; Hereditary neoplastic syndrome; Tumor predisposition; Neoplastic Syndromes, Hereditary. Identifiers: Orphanet 140162, MedGen C0027672, MeSH D009386, MONDO:0015356.
Peutz-Jeghers syndrome (PJS). Also called: Peutz-Jeghers polyposis; Periorificial lentiginosis syndrome; POLYPOSIS, HAMARTOMATOUS INTESTINAL; POLYPS-AND-SPOTS SYNDROME. Identifiers: Orphanet 2869, MedGen C0031269, MeSH D010580, MONDO:0008280, OMIM 175200.

Allele frequency attached by ClinVar (database versions not stated): gnomAD exomes below 0.00001.
gnomAD v4.1: 1 of 1,568,252 alleles (0.000064%); highest among the groups gnomAD compares: Admixed American, 0.0019%; no homozygotes.

Submissions (6):

Labcorp Genetics (formerly Invitae), Labcorp
Classification: Likely benign for Peutz-Jeghers syndrome. Last evaluated: 2025-09-09. Review status: criteria provided, single submitter. Criteria: Invitae Variant Classification Sherloc (09022015). Collection method: clinical testing. Allele origin: germline.

Myriad Genetics, Inc.
Classification: Benign for Peutz-Jeghers syndrome. Last evaluated: 2025-03-28. Review status: criteria provided, single submitter. Criteria: Myriad Autosomal Dominant, Autosomal Recessive and X-Linked Classification Criteria (2023). Collection method: clinical testing. Allele origin: unknown.
Comment: This variant is considered benign. This variant is a silent/synonymous amino acid change and it is not expected to impact splicing.

Ambry Genetics
Classification: Likely benign for Hereditary cancer-predisposing syndrome. Last evaluated: 2024-12-15. Review status: criteria provided, single submitter. Criteria: Ambry Variant Classification Scheme 2023. Collection method: clinical testing. Allele origin: germline.

Genome-Nilou Lab
Classification: Uncertain significance for Peutz-Jeghers syndrome. Last evaluated: 2021-07-15. Review status: criteria provided, single submitter. Criteria: ACMG Guidelines, 2015. Collection method: clinical testing. Allele origin: germline. Affected: no.

Illumina Laboratory Services, Illumina
Classification: Uncertain significance for Peutz-Jeghers syndrome. Last evaluated: 2018-01-12. Review status: criteria provided, single submitter. Criteria: ICSL Variant Classification Criteria 13 December 2019. Collection method: clinical testing. Allele origin: germline.

Quest Diagnostics Nichols Institute San Juan Capistrano
Classification: Likely benign. Last evaluated: 2017-06-03. Review status: criteria provided, single submitter. Criteria: Quest Diagnostics criteria. Collection method: clinical testing. Allele origin: germline.

NM_000455.5(STK11):c.942T>C (p.Pro314=)

Gene: STK11 (serine/threonine kinase 11; plus strand). Cytogenetic location: 19p13.3.
Variant type: single nucleotide variant.
Coding change: c.942T>C on transcript NM_000455.5 (MANE Select); coding-DNA position 942, T replaced by C.
Protein change: p.Pro314=; no amino-acid change (proline 314 retained).
Molecular consequence: synonymous variant.
Genome position (GRCh38, 1-based): chr19:1,223,006, T>C. VCF-style: chr19-1223006-T-C. GRCh37 (hg19) VCF-style: chr19-1223005-T-C.
Identifiers: ClinVar variation 439306 (VCV000439306.13), dbSNP rs1256260277, ClinGen allele CA504707725.